The following is an entry in ClinVar:

NM_000466.3(PEX1):c.1502_1513del (p.Leu501_Val504del)

Gene: PEX1 (peroxisomal biogenesis factor 1; minus strand). Cytogenetic location: 7q21.2.
Variant type: Deletion.
Coding change: c.1502_1513del on transcript NM_000466.3 (MANE Select); coding-DNA positions 1502 to 1513, 12 bases deleted (TGAGTATAGTTC).
Protein change: p.Leu501_Val504del.
Molecular consequence: inframe deletion.
Genome position (GRCh38, 1-based): chr7:92,511,018-92,511,029, GAACTATACTCA deleted on the plus strand (TGAGTATAGTTC on the coding strand, the reverse complement: PEX1 is on the minus strand); deleting any 12 consecutive bases within chr7:92,511,018-92,511,031 gives the same sequence; the c. name uses the placement nearest the transcript's 3' end. VCF-style (leftmost placement, unchanged base first): chr7-92511017-TGAACTATACTCA-T. GRCh37 (hg19) VCF-style: chr7-92140331-TGAACTATACTCA-T.
Other names: c.1502_1513del, p.Leu501_Val504del (NM_001282677.2); c.878_889del, p.Leu293_Val296del (NM_001282678.2).
Identifiers: ClinVar variation 2076821 (VCV002076821.4), dbSNP rs2484685868, ClinGen allele CA2580078173.
Genomic context (GRCh38, chr7:92,511,017, plus strand): 5'-TTCTGCAGCAAATTGGGACTCAACAGAAAAATATTTTTATCTTTTTCTTTTTCCCAAGAA[TGAACTATACTCA>T]GAGAAAATTCCTTCAGTCCTATTAAAAAGAAAGTAATAAATGCAGAGTTAGTACTGAAAC-3'

ClinVar aggregate classification (germline): Uncertain significance (1 of 4 stars; one submission).

Conditions:
Zellweger spectrum disorders (ZS). Also called: Zellweger Spectrum Disorder; Zellweger Spectrum; Zellweger Spectrum Disorder (ZSD); Zellweger syndrome. Identifiers: Orphanet 912, MedGen C0043459, MONDO:0019609.

Submission:

Labcorp Genetics (formerly Invitae), Labcorp
Classification: Uncertain significance for Zellweger spectrum disorders. Last evaluated: 2022-07-08. Review status: criteria provided, single submitter. Criteria: Invitae Variant Classification Sherloc (09022015). Collection method: clinical testing. Allele origin: germline.
Comment: This variant, c.1502_1513del, results in the deletion of 4 amino acid(s) of the PEX1 protein (p.Leu501_Val504del), but otherwise preserves the integrity of the reading frame. This variant is not present in population databases (gnomAD no frequency). This variant has not been reported in the literature in individuals affected with PEX1-related conditions. Experimental studies and prediction algorithms are not available or were not evaluated, and the functional significance of this variant is currently unknown. In summary, the available evidence is currently insufficient to determine the role of this variant in disease. Therefore, it has been classified as a Variant of Uncertain Significance.